The following is an entry in ClinVar:

ClinVar aggregate classification (germline): Uncertain significance. Review status: criteria provided, multiple submitters, no conflicts (2 of 4 stars). 2 submissions from 2 submitters: Uncertain significance (2). Last evaluated 2024-10-17.

Conditions:
Inborn genetic diseases. Identifiers: MedGen C0950123, MeSH D030342.

Allele frequency attached by ClinVar (database versions not stated): gnomAD 0.00007 and 0.00008; ESP Exome Variant Server 0.00008; ExAC 0.00010; TOPMed 0.00010; gnomAD exomes 0.00012.
gnomAD v4.1: 176 of 1,612,984 alleles (0.011%); highest among the groups gnomAD compares: Middle Eastern, 0.066%; no homozygotes.

Submissions (2):

Labcorp Genetics (formerly Invitae), Labcorp
Classification: Uncertain significance. Last evaluated: 2024-10-17. Review status: criteria provided, single submitter. Criteria: Invitae Variant Classification Sherloc (09022015). Collection method: clinical testing. Allele origin: germline.
Comment: This sequence change replaces arginine, which is basic and polar, with histidine, which is basic and polar, at codon 488 of the APC2 protein (p.Arg488His). This variant is present in population databases (rs144538191, gnomAD 0.1%). This variant has not been reported in the literature in individuals affected with APC2-related conditions. ClinVar contains an entry for this variant (Variation ID: 1010344). Invitae Evidence Modeling of protein sequence and biophysical properties (such as structural, functional, and spatial information, amino acid conservation, physicochemical variation, residue mobility, and thermodynamic stability) indicates that this missense variant is expected to disrupt APC2 protein function with a positive predictive value of 80%. In summary, the available evidence is currently insufficient to determine the role of this variant in disease. Therefore, it has been classified as a Variant of Uncertain Significance.

Ambry Genetics
Classification: Uncertain significance for Inborn genetic diseases. Last evaluated: 2021-07-20. Review status: criteria provided, single submitter. Criteria: Ambry Variant Classification Scheme 2023. Collection method: clinical testing. Allele origin: germline.

NM_005883.3(APC2):c.1463G>A (p.Arg488His)

Gene: APC2 (APC regulator of Wnt signaling pathway 2; plus strand). Cytogenetic location: 19p13.3.
Variant type: single nucleotide variant.
Coding change: c.1463G>A on transcript NM_005883.3 (MANE Select); coding-DNA position 1463, G replaced by A.
Protein change: p.Arg488His; replaces arginine 488 with histidine.
Molecular consequence: missense variant.
Genome position (GRCh38, 1-based): chr19:1,460,799, G>A. VCF-style: chr19-1460799-G-A. GRCh37 (hg19) VCF-style: chr19-1460798-G-A.
Other names: c.1460G>A, p.Arg487His (NM_001351273.1); c.1463G>A (NM_005883.2); short protein forms R487H, R488H.
Identifiers: ClinVar variation 1010344 (VCV001010344.9), dbSNP rs144538191, ClinGen allele CA9045109.